The following is an entry in ClinVar:

ClinVar aggregate classification (germline): Uncertain significance (1 of 4 stars; one submission).

gnomAD v4.1: 1 of 1,613,490 alleles (0.000062%); highest among the groups gnomAD compares: Non-Finnish European, 0.000085%; no homozygotes.

Submission:

Ambry Genetics
Classification: Uncertain significance. Last evaluated: 2025-03-22. Review status: criteria provided, single submitter. Criteria: Ambry Variant Classification Scheme 2023. Collection method: clinical testing. Allele origin: germline.
Comment: The p.A902V variant (also known as c.2705C>T), located in coding exon 11 of the WNK2 gene, results from a C to T substitution at nucleotide position 2705. The alanine at codon 902 is replaced by valine, an amino acid with similar properties. This amino acid position is conserved. In addition, this alteration is predicted to be tolerated by in silico analysis. Based on the available evidence, the clinical significance of this variant remains unclear.

NM_006648.4(WNK2):c.2705C>T (p.Ala902Val)

Gene: WNK2 (WNK lysine deficient protein kinase 2; plus strand). Cytogenetic location: 9q22.31.
Variant type: single nucleotide variant.
Coding change: c.2705C>T on transcript NM_006648.4 (MANE Select); coding-DNA position 2705, C replaced by T.
Protein change: p.Ala902Val; replaces alanine 902 with valine.
Molecular consequence: missense variant.
Genome position (GRCh38, 1-based): chr9:93,259,253, C>T. VCF-style: chr9-93259253-C-T. GRCh37 (hg19) VCF-style: chr9-96021535-C-T.
Other names: c.2705C>T, p.Ala902Val (NM_001282394.3); short protein forms A902V.
Identifiers: ClinVar variation 3981694 (VCV003981694.1).
Genomic context (GRCh38, chr9:93,259,253, plus strand): 5'-CCACTATCCCCCTGCTGGCCGTAGCCCCACCGGGCGTGGCTGCCCTGTCCATTCATTCTG[C>T]CGTGGCCCAGCTCCCAGGCCAACCTGTGTACCCAGCGGCCTTCCCACAGATGGCGCCTAC-3'
Protein context (NP_006639.3, residues 892-912): PGVAALSIHS[Ala902Val]VAQLPGQPVY